The following is an entry in ClinVar:

NM_003803.4(MYOM1):c.2920G>A (p.Glu974Lys)

Gene: MYOM1 (myomesin 1; minus strand). Cytogenetic location: 18p11.31.
Variant type: single nucleotide variant.
Coding change: c.2920G>A on transcript NM_003803.4 (MANE Select); coding-DNA position 2920, G replaced by A.
Protein change: p.Glu974Lys; replaces glutamic acid 974 with lysine.
Molecular consequence: missense variant.
Genome position (GRCh38, 1-based): chr18:3,126,772, C>T on the plus strand (G>A on the coding strand, the complement: MYOM1 is on the minus strand). VCF-style: chr18-3126772-C-T. GRCh37 (hg19) VCF-style: chr18-3126770-C-T.
Other names: c.2632G>A, p.Glu878Lys (NM_019856.2); short protein forms E974K, E878K.
Identifiers: ClinVar variation 454442 (VCV000454442.10), dbSNP rs774931774, ClinGen allele CA8874493.

ClinVar aggregate classification (germline): Uncertain significance (1 of 4 stars; one submission).

Conditions:
Hypertrophic cardiomyopathy. Also called: HYPERTROPHIC MYOCARDIOPATHY. Identifiers: Orphanet 217569, MedGen C0007194, MeSH D002312, MONDO:0005045, HP:0001639.

Allele frequency attached by ClinVar (database versions not stated): gnomAD 0.00001; TOPMed 0.00001; gnomAD exomes 0.00004 and 0.00005; ExAC 0.00007.
gnomAD v4.1: 55 of 1,613,742 alleles (0.0034%); highest among the groups gnomAD compares: Middle Eastern, 0.066%; no homozygotes.

Submission:

Labcorp Genetics (formerly Invitae), Labcorp
Classification: Uncertain significance for Hypertrophic cardiomyopathy. Last evaluated: 2026-01-21. Review status: criteria provided, single submitter. Criteria: Invitae Variant Classification Sherloc (09022015). Collection method: clinical testing. Allele origin: germline.
Comment: This sequence change replaces glutamic acid, which is acidic and polar, with lysine, which is basic and polar, at codon 974 of the MYOM1 protein (p.Glu974Lys). This variant is present in population databases (rs774931774, gnomAD 0.05%). This variant has not been reported in the literature in individuals affected with MYOM1-related conditions. ClinVar contains an entry for this variant (Variation ID: 454442). Invitae Evidence Modeling of protein sequence and biophysical properties (such as structural, functional, and spatial information, amino acid conservation, physicochemical variation, residue mobility, and thermodynamic stability) has been performed for this missense variant. However, the output from this modeling did not meet the statistical confidence thresholds required to predict the impact of this variant on MYOM1 protein function. In summary, the available evidence is currently insufficient to determine the role of this variant in disease. Therefore, it has been classified as a Variant of Uncertain Significance.